The following is an entry in ClinVar:

ClinVar aggregate classification (germline): Uncertain significance (1 of 4 stars; one submission).

gnomAD v4.1: 3 of 1,438,476 alleles (0.00021%); highest among the groups gnomAD compares: East Asian, 0.003%; no homozygotes.

Submission:

GeneDx
Classification: Uncertain significance. Last evaluated: 2026-02-02. Review status: criteria provided, single submitter. Criteria: GeneDx Variant Classification Process June 2021. Collection method: clinical testing. Allele origin: germline.
Comment: Not observed at significant frequency in large population cohorts (gnomAD); In silico analysis suggests that this missense variant does not alter protein structure/function; Has not been previously published as pathogenic or benign to our knowledge

NM_001374828.1(ARID1B):c.1721C>T (p.Ala574Val)

Gene: ARID1B (AT-rich interaction domain 1B; plus strand). Cytogenetic location: 6q25.3.
Variant type: single nucleotide variant.
Coding change: c.1721C>T on transcript NM_001374828.1 (MANE Select); coding-DNA position 1721, C replaced by T.
Protein change: p.Ala574Val; replaces alanine 574 with valine.
Molecular consequence: missense variant.
Genome position (GRCh38, 1-based): chr6:156,779,401, C>T. VCF-style: chr6-156779401-C-T. GRCh37 (hg19) VCF-style: chr6-157100535-C-T.
Other names: c.1721C>T, p.Ala574Val (NM_001371656.1, NM_001374820.1, NM_001438482.1 and 9 more transcripts); short protein forms A574V.
Identifiers: ClinVar variation 4976047 (VCV004976047.1).